The following is an entry in ClinVar:

ClinVar aggregate classification (germline): Uncertain significance (1 of 4 stars; one submission).

Conditions:
Kabuki syndrome. Also called: NIIKAWA-KUROKI SYNDROME; Kabuki make-up syndrome. Identifiers: Orphanet 2322, MedGen C0796004, MONDO:0016512.

Allele frequency attached by ClinVar (database versions not stated): gnomAD exomes below 0.00001.
gnomAD v4.1: 4 of 1,613,922 alleles (0.00025%); highest among the groups gnomAD compares: Non-Finnish European, 0.00034%; no homozygotes.

Submission:

Labcorp Genetics (formerly Invitae), Labcorp
Classification: Uncertain significance for Kabuki syndrome. Last evaluated: 2024-01-20. Review status: criteria provided, single submitter. Criteria: Invitae Variant Classification Sherloc (09022015). Collection method: clinical testing. Allele origin: germline.
Comment: This sequence change replaces methionine, which is neutral and non-polar, with valine, which is neutral and non-polar, at codon 5422 of the KMT2D protein (p.Met5422Val). This variant is not present in population databases (gnomAD no frequency). This variant has not been reported in the literature in individuals affected with KMT2D-related conditions. ClinVar contains an entry for this variant (Variation ID: 1973908). Advanced modeling of protein sequence and biophysical properties (such as structural, functional, and spatial information, amino acid conservation, physicochemical variation, residue mobility, and thermodynamic stability) has been performed at Invitae for this missense variant, however the output from this modeling did not meet the statistical confidence thresholds required to predict the impact of this variant on KMT2D protein function. In summary, the available evidence is currently insufficient to determine the role of this variant in disease. Therefore, it has been classified as a Variant of Uncertain Significance.

NM_003482.4(KMT2D):c.16264A>G (p.Met5422Val)

Gene: KMT2D (lysine methyltransferase 2D; minus strand). Cytogenetic location: 12q13.12.
Variant type: single nucleotide variant.
Coding change: c.16264A>G on transcript NM_003482.4 (MANE Select); coding-DNA position 16264, A replaced by G.
Protein change: p.Met5422Val; replaces methionine 5422 with valine.
Molecular consequence: missense variant.
Genome position (GRCh38, 1-based): chr12:49,022,664, T>C on the plus strand (A>G on the coding strand, the complement: KMT2D is on the minus strand). VCF-style: chr12-49022664-T-C. GRCh37 (hg19) VCF-style: chr12-49416447-T-C.
Other names: short protein forms M5422V.
Identifiers: ClinVar variation 1973908 (VCV001973908.5), dbSNP rs2499025837, ClinGen allele CA384677895.